The following is an entry in ClinVar:

NM_000246.4(CIITA):c.719T>C (p.Leu240Pro)

Gene: CIITA (class II major histocompatibility complex transactivator; plus strand). Cytogenetic location: 16p13.13.
Variant type: single nucleotide variant.
Coding change: c.719T>C on transcript NM_000246.4 (MANE Select); coding-DNA position 719, T replaced by C.
Protein change: p.Leu240Pro; replaces leucine 240 with proline.
Molecular consequence: missense variant. On other transcripts: non-coding transcript variant (1).
Genome position (GRCh38, 1-based): chr16:10,902,748, T>C. VCF-style: chr16-10902748-T-C. GRCh37 (hg19) VCF-style: chr16-10996605-T-C.
Other names: c.722T>C, p.Leu241Pro (NM_001286402.1, NM_001379332.1); c.572T>C, p.Leu191Pro (NM_001286403.2, NM_001379331.1); c.575T>C, p.Leu192Pro (NM_001379330.1); c.719T>C, p.Leu240Pro (NM_001379333.1); c.650T>C, p.Leu217Pro (NM_001379334.1); short protein forms L191P, L241P, L217P, L240P, L192P.
Identifiers: ClinVar variation 2147879 (VCV002147879.3), dbSNP rs2038872567, ClinGen allele CA394728745.
Genomic context (GRCh38, chr16:10,902,748, plus strand): 5'-TGAATCTCCCTGAGGGACCCATCCAGTTTGTCCCCACCATCTCCACTCTGCCCCATGGGC[T>C]CTGGCAAATCTCTGAGGCTGGAACAGGGGTCTCCAGTATATTCATCTACCATGGTGAGTG-3'
Protein context (NP_000237.2, residues 230-250): VPTISTLPHG[Leu240Pro]WQISEAGTGV

ClinVar aggregate classification (germline): Uncertain significance (1 of 4 stars; one submission).

Conditions:
MHC class II deficiency. Also called: Bare lymphocyte syndrome 2; BLS, TYPE II. Identifiers: Orphanet 572, MedGen C5447452, MONDO:0008855.

Allele frequency attached by ClinVar (database versions not stated): TOPMed below 0.00001; gnomAD 0.00001.
gnomAD v4.1: 1 of 1,614,106 alleles (0.000062%); highest among the groups gnomAD compares: Admixed American, 0.0017%; no homozygotes.

Submission:

Labcorp Genetics (formerly Invitae), Labcorp
Classification: Uncertain significance for MHC class II deficiency. Last evaluated: 2024-08-06. Review status: criteria provided, single submitter. Criteria: Invitae Variant Classification Sherloc (09022015). Collection method: clinical testing. Allele origin: germline.
Comment: This sequence change replaces leucine, which is neutral and non-polar, with proline, which is neutral and non-polar, at codon 240 of the CIITA protein (p.Leu240Pro). This variant is not present in population databases (gnomAD no frequency). This variant has not been reported in the literature in individuals affected with CIITA-related conditions. ClinVar contains an entry for this variant (Variation ID: 2147879). An algorithm developed to predict the effect of missense changes on protein structure and function (PolyPhen-2) suggests that this variant is likely to be tolerated. In summary, the available evidence is currently insufficient to determine the role of this variant in disease. Therefore, it has been classified as a Variant of Uncertain Significance.